The following is an entry in ClinVar:

ClinVar aggregate classification (germline): Uncertain significance. Review status: criteria provided, multiple submitters, no conflicts (2 of 4 stars). 3 submissions from 3 submitters: Uncertain significance (3). Last evaluated 2025-01-23.

Conditions:
Inborn genetic diseases. Identifiers: MedGen C0950123, MeSH D030342.

Allele frequency attached by ClinVar (database versions not stated): gnomAD exomes 0.00005 and 0.00007; TOPMed 0.00006; gnomAD 0.00007; ESP Exome Variant Server 0.00008; ExAC 0.00009; 1000 Genomes Project 30x 0.00016; 1000 Genomes Project 0.00020.
gnomAD v4.1: 86 of 1,613,216 alleles (0.0053%); highest among the groups gnomAD compares: South Asian, 0.019%; no homozygotes.

Submissions (3):

Ambry Genetics
Classification: Uncertain significance for Inborn genetic diseases. Last evaluated: 2025-01-23. Review status: criteria provided, single submitter. Criteria: Ambry Variant Classification Scheme 2023. Collection method: clinical testing. Allele origin: germline.

Blueprint Genetics
Classification: Uncertain significance. Last evaluated: 2024-11-07. Review status: criteria provided, single submitter. Criteria: ACMG Guidelines, 2015. Collection method: clinical testing. Allele origin: germline.

Labcorp Genetics (formerly Invitae), Labcorp
Classification: Uncertain significance. Last evaluated: 2022-07-16. Review status: criteria provided, single submitter. Criteria: Invitae Variant Classification Sherloc (09022015). Collection method: clinical testing. Allele origin: germline.
Comment: This sequence change replaces arginine, which is basic and polar, with cysteine, which is neutral and slightly polar, at codon 1345 of the PTPN23 protein (p.Arg1345Cys). This variant is present in population databases (rs142129608, gnomAD 0.01%). This variant has not been reported in the literature in individuals affected with PTPN23-related conditions. ClinVar contains an entry for this variant (Variation ID: 1489363). Algorithms developed to predict the effect of missense changes on protein structure and function are either unavailable or do not agree on the potential impact of this missense change (SIFT: "Deleterious"; PolyPhen-2: "Probably Damaging"; Align-GVGD: "Class C0"). In summary, the available evidence is currently insufficient to determine the role of this variant in disease. Therefore, it has been classified as a Variant of Uncertain Significance.

NM_015466.4(PTPN23):c.4033C>T (p.Arg1345Cys)

Gene: PTPN23 (protein tyrosine phosphatase non-receptor type 23; plus strand). Cytogenetic location: 3p21.31.
Variant type: single nucleotide variant.
Coding change: c.4033C>T on transcript NM_015466.4 (MANE Select); coding-DNA position 4033, C replaced by T.
Protein change: p.Arg1345Cys; replaces arginine 1345 with cysteine.
Molecular consequence: missense variant.
Genome position (GRCh38, 1-based): chr3:47,411,927, C>T. VCF-style: chr3-47411927-C-T. GRCh37 (hg19) VCF-style: chr3-47453417-C-T.
Other names: c.3655C>T, p.Arg1219Cys (NM_001304482.2); c.4033C>T (NM_015466.2); short protein forms R1345C, R1219C.
Identifiers: ClinVar variation 1489363 (VCV001489363.6), dbSNP rs142129608, ClinGen allele CA2366427.